The following is an entry in ClinVar:

NM_001387430.1(SH2B1):c.1962G>T (p.Gln654His)

Gene: SH2B1 (SH2B adaptor protein 1; plus strand). Cytogenetic location: 16p11.2.
Variant type: single nucleotide variant.
Coding change: c.1962G>T on transcript NM_001387430.1 (MANE Select); coding-DNA position 1962, G replaced by T.
Protein change: p.Gln654His; replaces glutamine 654 with histidine.
Molecular consequence: missense variant. On other transcripts: 3 prime UTR variant (5).
Genome position (GRCh38, 1-based): chr16:28,873,511, G>T. VCF-style: chr16-28873511-G-T. GRCh37 (hg19) VCF-style: chr16-28884832-G-T.
Other names: c.1962G>T, p.Gln654His (NM_001145795.2, NM_001308293.2, NM_001387404.1); c.*46G>T (NM_001145796.2, NM_001145812.2, NM_001308294.2 and 1 more transcripts); c.*63G>T (NM_001145797.2); short protein forms Q654H.
Identifiers: ClinVar variation 4980873 (VCV004980873.1).

ClinVar aggregate classification (germline): Uncertain significance (1 of 4 stars; one submission).

Conditions:
SH2B1-related disorder. Also called: SH2B1-related condition.

gnomAD v4.1: 3 of 1,595,956 alleles (0.00019%); highest among the groups gnomAD compares: Non-Finnish European, 0.00026%; no homozygotes.

Submission:

PreventionGenetics, part of Exact Sciences
Classification: Uncertain significance for SH2B1-related condition. Last evaluated: 2025-05-14. Review status: criteria provided, single submitter. Criteria: ACMG Guidelines, 2015. Collection method: clinical testing. Allele origin: germline.
Comment: The SH2B1 c.1962G>T variant is predicted to result in the amino acid substitution p.Gln654His. To our knowledge, this variant has not been reported in the literature or in a large population database, indicating this variant is rare. At this time, the clinical significance of this variant is uncertain due to the absence of conclusive functional and genetic evidence.